The following is an entry in ClinVar:

NM_000535.7(PMS2):c.476T>G (p.Val159Gly)

Gene: PMS2 (PMS1 homolog 2, mismatch repair system component; minus strand). Cytogenetic location: 7p22.1.
Variant type: single nucleotide variant.
Coding change: c.476T>G on transcript NM_000535.7 (MANE Select); coding-DNA position 476, T replaced by G.
Protein change: p.Val159Gly; replaces valine 159 with glycine.
Molecular consequence: missense variant. On other transcripts: 5 prime UTR variant (2), non-coding transcript variant (1), intron variant (1).
Genome position (GRCh38, 1-based): chr7:6,002,514, A>C on the plus strand (T>G on the coding strand, the complement: PMS2 is on the minus strand). VCF-style: chr7-6002514-A-C. GRCh37 (hg19) VCF-style: chr7-6042145-A-C.
Other names: c.476T>G, p.Val159Gly (NM_001406871.1, NM_001406872.1, NM_001406873.1 and 8 more transcripts); c.167T>G, p.Val56Gly (NM_001406875.1, NM_001406877.1, NM_001406878.1 and 6 more transcripts); c.158T>G, p.Val53Gly (NM_001406876.1, NM_001406883.1, NM_001322007.2 and 4 more transcripts); c.71T>G, p.Val24Gly (NM_001406887.1, NM_001406888.1, NM_001406889.1 and 24 more transcripts); c.-409T>G (NM_001322011.2, NM_001322012.2); c.662T>G, p.Val221Gly (NM_001406866.1); c.500T>G, p.Val167Gly (NM_001406868.1); c.250+1458T>G (NM_001406885.1); short protein forms V159G, V56G, V167G, V53G, V221G, V24G.
Identifiers: ClinVar variation 4824572 (VCV004824572.1).

ClinVar aggregate classification (germline): Uncertain significance (1 of 4 stars; one submission).

Conditions:
Hereditary cancer-predisposing syndrome. Also called: Neoplastic Syndromes, Hereditary; Hereditary neoplastic syndrome; Tumor predisposition; Hereditary Cancer Syndrome. Identifiers: Orphanet 140162, MedGen C0027672, MeSH D009386, MONDO:0015356.

Submission:

Ambry Genetics
Classification: Uncertain significance for Hereditary cancer-predisposing syndrome. Last evaluated: 2026-02-17. Review status: criteria provided, single submitter. Criteria: Ambry Variant Classification Scheme 2023. Collection method: clinical testing. Allele origin: germline.
Comment: The p.V159G variant (also known as c.476T>G), located in coding exon 5 of the PMS2 gene, results from a T to G substitution at nucleotide position 476. The valine at codon 159 is replaced by glycine, an amino acid with dissimilar properties. This amino acid position is conserved. In addition, this alteration is predicted to be deleterious by in silico analysis. Based on the available evidence, the clinical significance of this variant remains unclear.